The following is an entry in ClinVar:

ClinVar aggregate classification (germline): Benign. Review status: criteria provided, multiple submitters, no conflicts (2 of 4 stars). 2 submissions from 2 submitters: Benign (2). Last evaluated 2018-06-19.

Allele frequency attached by ClinVar (database versions not stated): gnomAD 0.02665; TOPMed 0.03028; 1000 Genomes Project 0.03155; 1000 Genomes Project 30x 0.03389.
gnomAD v4.1: 6,915 of 909,180 alleles (0.76%); highest among the groups gnomAD compares: African/African-American, 9.5%; 295 homozygotes.

Submissions (2):

GeneDx
Classification: Benign. Last evaluated: 2018-06-19. Review status: criteria provided, single submitter. Criteria: GeneDx Variant Classification (06012015). Collection method: clinical testing. Allele origin: germline. Affected: yes.
Comment: This variant is considered likely benign or benign based on one or more of the following criteria: it is a conservative change, it occurs at a poorly conserved position in the protein, it is predicted to be benign by multiple in silico algorithms, and/or has population frequency not consistent with disease.

Breakthrough Genomics
Classification: Benign. Review status: criteria provided, single submitter. Criteria: ACMG Guidelines, 2015. Collection method: not provided. Allele origin: germline. Inheritance: Autosomal dominant inheritance. Affected: yes.

NM_003476.5(CSRP3):c.415-96G>A

Gene: CSRP3 (cysteine and glycine rich protein 3; minus strand). Cytogenetic location: 11p15.1.
Variant type: single nucleotide variant.
Coding change: c.415-96G>A on transcript NM_003476.5 (MANE Select); 96 bases into the intron before coding-DNA position 415, G replaced by A.
Molecular consequence: intron variant.
Genome position (GRCh38, 1-based): chr11:19,185,141, C>T on the plus strand (G>A on the coding strand, the complement: CSRP3 is on the minus strand). VCF-style: chr11-19185141-C-T. GRCh37 (hg19) VCF-style: chr11-19206688-C-T.
Other names: c.246-96G>A (NM_001369404.1).
Identifiers: ClinVar variation 675316 (VCV000675316.2), dbSNP rs7103903, ClinGen allele CA218632670.